The following is an entry in ClinVar:

ClinVar aggregate classification (germline): Uncertain significance. Review status: criteria provided, multiple submitters, no conflicts (2 of 4 stars). 2 submissions from 2 submitters: Uncertain significance (2). Last evaluated 2025-12-08.

Conditions:
Inborn genetic diseases. Identifiers: MedGen C0950123, MeSH D030342.

Allele frequency attached by ClinVar (database versions not stated): TOPMed 0.00001.

Submissions (2):

Ambry Genetics
Classification: Uncertain significance for Inborn genetic diseases. Last evaluated: 2025-12-08. Review status: criteria provided, single submitter. Criteria: Ambry Variant Classification Scheme 2023. Collection method: clinical testing. Allele origin: germline.

Labcorp Genetics (formerly Invitae), Labcorp
Classification: Uncertain significance. Last evaluated: 2023-12-19. Review status: criteria provided, single submitter. Criteria: Invitae Variant Classification Sherloc (09022015). Collection method: clinical testing. Allele origin: germline.
Comment: This sequence change replaces glutamic acid, which is acidic and polar, with glycine, which is neutral and non-polar, at codon 272 of the GNAT1 protein (p.Glu272Gly). This variant is not present in population databases (gnomAD no frequency). This variant has not been reported in the literature in individuals affected with GNAT1-related conditions. Advanced modeling of protein sequence and biophysical properties (such as structural, functional, and spatial information, amino acid conservation, physicochemical variation, residue mobility, and thermodynamic stability) performed at Invitae indicates that this missense variant is not expected to disrupt GNAT1 protein function with a negative predictive value of 80%. In summary, the available evidence is currently insufficient to determine the role of this variant in disease. Therefore, it has been classified as a Variant of Uncertain Significance.

NM_144499.3(GNAT1):c.815A>G (p.Glu272Gly)

Gene: GNAT1 (G protein subunit alpha transducin 1; plus strand). Cytogenetic location: 3p21.31.
Variant type: single nucleotide variant.
Coding change: c.815A>G on transcript NM_144499.3 (MANE Select); coding-DNA position 815, A replaced by G.
Protein change: p.Glu272Gly; replaces glutamic acid 272 with glycine.
Molecular consequence: missense variant.
Genome position (GRCh38, 1-based): chr3:50,194,607, A>G. VCF-style: chr3-50194607-A-G. GRCh37 (hg19) VCF-style: chr3-50232040-A-G.
Other names: c.815A>G (NM_144499.2); c.815A>G, p.Glu272Gly (NM_000172.4); short protein forms E272G.
Identifiers: ClinVar variation 2894139 (VCV002894139.4), dbSNP rs1699474190, ClinGen allele CA352918185.
Genomic context (GRCh38, chr3:50,194,607, plus strand): 5'-ACCGCTACTTCGCCACGACGTCCATCGTGCTCTTCCTTAACAAGAAGGACGTCTTCTTCG[A>G]GAAGATCAAGAAGGCGCACCTCAGCATCTGTTTCCCGGACTACGATGGTGAGAAGTCCGC-3'
Protein context (NP_653082.1, residues 262-282): LFLNKKDVFF[Glu272Gly]KIKKAHLSIC